The following is an entry in ClinVar:

ClinVar aggregate classification (germline): Uncertain significance. Review status: criteria provided, multiple submitters, no conflicts (2 of 4 stars). 2 submissions from 2 submitters: Uncertain significance (2). Last evaluated 2023-12-04.

Conditions:
Hereditary cancer-predisposing syndrome. Also called: Neoplastic Syndromes, Hereditary; Tumor predisposition; Hereditary Cancer Syndrome; Hereditary neoplastic syndrome. Identifiers: Orphanet 140162, MedGen C0027672, MeSH D009386, MONDO:0015356.
Ataxia-telangiectasia syndrome (AT). Also called: ATAXIA-TELANGIECTASIA, COMPLEMENTATION GROUP A; ATAXIA-TELANGIECTASIA, FRESNO VARIANT; Ataxia-telangiectasia; Ataxia-telangiectasia, complementation group D; AT, COMPLEMENTATION GROUP C; Ataxia-telangiectasia, complementation group E. Identifiers: Orphanet 100, MedGen C0004135, MONDO:0008840, OMIM 208900.

Submissions (2):

Color Diagnostics, LLC DBA Color Health
Classification: Uncertain significance for Hereditary cancer-predisposing syndrome. Last evaluated: 2023-12-04. Review status: criteria provided, single submitter. Criteria: ACMG Guidelines, 2015. Collection method: clinical testing. Allele origin: germline.
Comment: This missense variant replaces glutamine with histidine at codon 65 of the ATM protein. Computational prediction suggests that this variant may not impact protein structure and function (internally defined REVEL score threshold <= 0.5, PMID: 27666373). To our knowledge, functional studies have not been reported for this variant. This variant has not been reported in individuals affected with ATM-related disorders in the literature. This variant has not been identified in the general population by the Genome Aggregation Database (gnomAD). The available evidence is insufficient to determine the role of this variant in disease conclusively. Therefore, this variant is classified as a Variant of Uncertain Significance.

Labcorp Genetics (formerly Invitae), Labcorp
Classification: Uncertain significance for Ataxia-telangiectasia syndrome. Last evaluated: 2017-11-24. Review status: criteria provided, single submitter. Criteria: Invitae Variant Classification Sherloc (09022015). Collection method: clinical testing. Allele origin: germline.
Comment: In summary, the available evidence is currently insufficient to determine the role of this variant in disease. Therefore, it has been classified as a Variant of Uncertain Significance. Algorithms developed to predict the effect of missense changes on protein structure and function do not agree on the potential impact of this missense change (SIFT: "Tolerated"; PolyPhen-2: "Probably Damaging"; Align-GVGD: "Class C0"). This variant has not been reported in the literature in individuals with ATM-related disease. This variant is not present in population databases (ExAC no frequency). This sequence change replaces glutamine with histidine at codon 65 of the ATM protein (p.Gln65His). The glutamine residue is moderately conserved and there is a small physicochemical difference between glutamine and histidine.

NM_000051.4(ATM):c.195G>C (p.Gln65His)

Gene: ATM (ATM serine/threonine kinase; plus strand). Cytogenetic location: 11q22.3.
Variant type: single nucleotide variant.
Coding change: c.195G>C on transcript NM_000051.4 (MANE Select); coding-DNA position 195, G replaced by C.
Protein change: p.Gln65His; replaces glutamine 65 with histidine.
Molecular consequence: missense variant.
Genome position (GRCh38, 1-based): chr11:108,229,187, G>C. VCF-style: chr11-108229187-G-C. GRCh37 (hg19) VCF-style: chr11-108099914-G-C.
Other names: c.195G>C, p.Gln65His (NM_001351834.2, NM_001351835.2, NM_001351836.2); short protein forms Q65H.
Identifiers: ClinVar variation 524356 (VCV000524356.11), dbSNP rs1555055072, ClinGen allele CA382521184.